The following is an entry in ClinVar:

NM_021813.4(BACH2):c.1332G>A (p.Ser444=)

Gene: BACH2 (BACH transcriptional regulator 2; minus strand). Cytogenetic location: 6q15.
Variant type: single nucleotide variant.
Coding change: c.1332G>A on transcript NM_021813.4 (MANE Select); coding-DNA position 1332, G replaced by A.
Protein change: p.Ser444=; no amino-acid change (serine 444 retained).
Molecular consequence: synonymous variant.
Genome position (GRCh38, 1-based): chr6:89,950,774, C>T on the plus strand (G>A on the coding strand, the complement: BACH2 is on the minus strand). VCF-style: chr6-89950774-C-T. GRCh37 (hg19) VCF-style: chr6-90660493-C-T.
Other names: c.1332G>A, p.Ser444= (NM_001170794.2).
Identifiers: ClinVar variation 1123572 (VCV001123572.10), dbSNP rs184575997, ClinGen allele CA3928004.

ClinVar aggregate classification (germline): Likely benign. Review status: criteria provided, multiple submitters, no conflicts (2 of 4 stars). 2 submissions from 2 submitters: Likely benign (2). Last evaluated 2026-09-01.

Allele frequency attached by ClinVar (database versions not stated): gnomAD exomes 0.00004 and 0.00007; ExAC 0.00005; gnomAD 0.00042 and 0.00045; 1000 Genomes Project 0.00060; 1000 Genomes Project 30x 0.00078; TOPMed 0.00112.
gnomAD v4.1: 140 of 1,614,160 alleles (0.0087%); highest among the groups gnomAD compares: Admixed American, 0.18%; 1 homozygote.

Submissions (2):

CeGaT Center for Human Genetics Tuebingen
Classification: Likely benign. Last evaluated: 2026-09-01. Review status: criteria provided, single submitter. Criteria: CeGaT Center For Human Genetics Tuebingen Variant Classification Criteria Version 2. Collection method: clinical testing. Allele origin: germline. Affected: yes. Observed: 1 variant allele.
Comment: BACH2: BP4, BP7, BS1

Labcorp Genetics (formerly Invitae), Labcorp
Classification: Likely benign. Last evaluated: 2025-12-01. Review status: criteria provided, single submitter. Criteria: Invitae Variant Classification Sherloc (09022015). Collection method: clinical testing. Allele origin: germline.